The following is an entry in ClinVar:

ClinVar aggregate classification (germline): Uncertain significance (1 of 4 stars; one submission).

Conditions:
Progressive sclerosing poliodystrophy (MTDPS4A). Also called: Mitochondrial DNA depletion syndrome 4A (Alpers type); Mitochondrial DNA Depletion Syndrome 4A; Alpers Syndrome; ALPERS DIFFUSE DEGENERATION OF CEREBRAL GRAY MATTER WITH HEPATIC CIRRHOSIS; Alpers-Huttenlocher Syndrome; ALPERS PROGRESSIVE INFANTILE POLIODYSTROPHY. Identifiers: Orphanet 726, MedGen C0205710, MONDO:0008758, OMIM 203700.

Submission:

Labcorp Genetics (formerly Invitae), Labcorp
Classification: Uncertain significance for Progressive sclerosing poliodystrophy. Last evaluated: 2021-02-16. Review status: criteria provided, single submitter. Criteria: Invitae Variant Classification Sherloc (09022015). Collection method: clinical testing. Allele origin: germline.
Comment: In summary, the available evidence is currently insufficient to determine the role of this variant in disease. Therefore, it has been classified as a Variant of Uncertain Significance. Algorithms developed to predict the effect of sequence changes on RNA splicing suggest that this variant may create or strengthen a splice site, but this prediction has not been confirmed by published transcriptional studies. Algorithms developed to predict the effect of missense changes on protein structure and function do not agree on the potential impact of this missense change (SIFT: "Deleterious"; PolyPhen-2: "Probably Damaging"; Align-GVGD: "Class C0"). This variant has not been reported in the literature in individuals with POLG-related disease. This variant is not present in population databases (ExAC no frequency). This sequence change replaces isoleucine with methionine at codon 808 of the POLG protein (p.Ile808Met). The isoleucine residue is highly conserved and there is a small physicochemical difference between isoleucine and methionine.

NM_002693.3(POLG):c.2424C>G (p.Ile808Met)

Gene: POLG (DNA polymerase gamma, catalytic subunit; minus strand). Cytogenetic location: 15q26.1.
Variant type: single nucleotide variant.
Coding change: c.2424C>G on transcript NM_002693.3 (MANE Select); coding-DNA position 2424, C replaced by G.
Protein change: p.Ile808Met; replaces isoleucine 808 with methionine.
Molecular consequence: missense variant.
Genome position (GRCh38, 1-based): chr15:89,322,744, G>C on the plus strand (C>G on the coding strand, the complement: POLG is on the minus strand). VCF-style: chr15-89322744-G-C. GRCh37 (hg19) VCF-style: chr15-89865975-G-C.
Other names: c.2424C>G, p.Ile808Met (NM_001126131.2); short protein forms I808M.
Identifiers: ClinVar variation 582217 (VCV000582217.9), dbSNP rs1567187747, ClinGen allele CA393756170.